The following is an entry in ClinVar:

NM_015311.3(OBSL1):c.3852C>T (p.Gly1284=)

Gene: OBSL1 (obscurin like cytoskeletal adaptor 1; minus strand). Cytogenetic location: 2q35.
Variant type: single nucleotide variant.
Coding change: c.3852C>T on transcript NM_015311.3 (MANE Select); coding-DNA position 3852, C replaced by T.
Protein change: p.Gly1284=; no amino-acid change (glycine 1284 retained).
Molecular consequence: synonymous variant.
Genome position (GRCh38, 1-based): chr2:219,557,557, G>A on the plus strand (C>T on the coding strand, the complement: OBSL1 is on the minus strand). VCF-style: chr2-219557557-G-A. GRCh37 (hg19) VCF-style: chr2-220422279-G-A.
Other names: c.3852C>T, p.Gly1284= (NM_001173431.2).
Identifiers: ClinVar variation 334491 (VCV000334491.14), dbSNP rs533142740, ClinGen allele CA2130729.

ClinVar aggregate classification (germline): Conflicting classifications of pathogenicity. Review status: criteria provided, conflicting classifications (1 of 4 stars). 3 submissions from 3 submitters: Uncertain significance (1); Benign (1). 1 of the submissions does not count toward it. Last evaluated 2026-02-04.

Conditions:
OBSL1-related disorder. Also called: OBSL1-related condition.
3M syndrome 2. Also called: 3-M Syndrome, OBSL1-Related; THREE M SYNDROME 2. Identifiers: Orphanet 2616, MedGen C2752041, MONDO:0013039, OMIM 612921.

Allele frequency attached by ClinVar (database versions not stated): gnomAD 0.00001 and 0.00017; TOPMed 0.00006; gnomAD exomes 0.00025 and 0.00057; 1000 Genomes Project 0.00140; 1000 Genomes Project 30x 0.00141; ExAC 0.00174.
gnomAD v4.1: 377 of 1,551,940 alleles (0.024%); highest among the groups gnomAD compares: South Asian, 0.4%; 3 homozygotes.

Submissions (3):

Labcorp Genetics (formerly Invitae), Labcorp
Classification: Benign. Last evaluated: 2026-02-04. Review status: criteria provided, single submitter. Criteria: Invitae Variant Classification Sherloc (09022015). Collection method: clinical testing. Allele origin: germline.

Illumina Laboratory Services, Illumina
Classification: Uncertain significance for 3M syndrome 2. Last evaluated: 2018-01-13. Review status: criteria provided, single submitter. Criteria: ICSL Variant Classification Criteria 13 December 2019. Collection method: clinical testing. Allele origin: germline.

PreventionGenetics, part of Exact Sciences
Classification: Likely benign for OBSL1-related condition. Last evaluated: 2023-04-09. Review status: no assertion criteria provided. Collection method: clinical testing. Allele origin: germline. Not counted in ClinVar's aggregate classification.
Comment: This variant is classified as likely benign based on ACMG/AMP sequence variant interpretation guidelines (Richards et al. 2015 PMID: 25741868, with internal and published modifications).